The following is an entry in ClinVar:

NM_018255.4(ELP2):c.1789A>G (p.Ile597Val)

Gene: ELP2 (elongator acetyltransferase complex subunit 2; plus strand). Cytogenetic location: 18q12.2.
Variant type: single nucleotide variant.
Coding change: c.1789A>G on transcript NM_018255.4 (MANE Select); coding-DNA position 1789, A replaced by G.
Protein change: p.Ile597Val; replaces isoleucine 597 with valine.
Molecular consequence: missense variant. On other transcripts: non-coding transcript variant (4).
Genome position (GRCh38, 1-based): chr18:36,164,502, A>G. VCF-style: chr18-36164502-A-G. GRCh37 (hg19) VCF-style: chr18-33744465-A-G.
Other names: c.1984A>G, p.Ile662Val (NM_001242875.3); c.1774A>G, p.Ile592Val (NM_001242876.3); c.1711A>G, p.Ile571Val (NM_001242877.3); c.1579A>G, p.Ile527Val (NM_001242878.3, NM_001242879.3); c.1657A>G, p.Ile553Val (NM_001324465.2); c.1906A>G, p.Ile636Val (NM_001324466.2); c.1639A>G, p.Ile547Val (NM_001324467.2); c.1342A>G, p.Ile448Val (NM_001324468.2); short protein forms I448V, I571V, I592V, I597V, I636V, I662V, I527V, I553V.
Identifiers: ClinVar variation 727809 (VCV000727809.6), dbSNP rs73428967, ClinGen allele CA8940093.

ClinVar aggregate classification (germline): Benign. Review status: criteria provided, single submitter (1 of 4 stars). 2 submissions from 2 submitters: Benign (1). 1 of the submissions does not count toward it. Last evaluated 2019-12-31.

Conditions:
ELP2-related disorder. Also called: ELP2-related condition; ELP2-Related Disorders.

Allele frequency attached by ClinVar (database versions not stated): ExAC 0.00100; gnomAD 0.00288 and 0.00309; 1000 Genomes Project 0.00300; 1000 Genomes Project 30x 0.00312; TOPMed 0.00341; ESP Exome Variant Server 0.00400.
gnomAD v4.1: 829 of 1,614,104 alleles (0.051%); highest among the groups gnomAD compares: African/African-American, 0.98%; 1 homozygote.

Submissions (2):

Labcorp Genetics (formerly Invitae), Labcorp
Classification: Benign. Last evaluated: 2019-12-31. Review status: criteria provided, single submitter. Criteria: Invitae Variant Classification Sherloc (09022015). Collection method: clinical testing. Allele origin: germline.

PreventionGenetics, part of Exact Sciences
Classification: Benign for ELP2-related condition. Last evaluated: 2019-05-09. Review status: no assertion criteria provided. Collection method: clinical testing. Allele origin: germline. Not counted in ClinVar's aggregate classification.
Comment: This variant is classified as benign based on ACMG/AMP sequence variant interpretation guidelines (Richards et al. 2015 PMID: 25741868, with internal and published modifications).